The following is an entry in ClinVar:

ClinVar aggregate classification (germline): Uncertain significance. Review status: criteria provided, multiple submitters, no conflicts (2 of 4 stars). 2 submissions from 2 submitters: Uncertain significance (2). Last evaluated 2024-03-09.

Conditions:
Bloom syndrome (BLM). Also called: Bloom-Torre-Machacek syndrome. Identifiers: Orphanet 125, MedGen C0005859, MONDO:0008876, OMIM 210900.
Hereditary cancer-predisposing syndrome. Also called: Neoplastic Syndromes, Hereditary; Hereditary Cancer Syndrome; Hereditary neoplastic syndrome; Tumor predisposition. Identifiers: Orphanet 140162, MedGen C0027672, MeSH D009386, MONDO:0015356.

Allele frequency attached by ClinVar (database versions not stated): gnomAD exomes below 0.00001.
gnomAD v4.1: 2 of 1,614,164 alleles (0.00012%); highest among the groups gnomAD compares: Non-Finnish European, 0.00017%; no homozygotes.

Submissions (2):

Ambry Genetics
Classification: Uncertain significance for Hereditary cancer-predisposing syndrome. Last evaluated: 2024-03-09. Review status: criteria provided, single submitter. Criteria: Ambry Variant Classification Scheme 2023. Collection method: clinical testing. Allele origin: germline.
Comment: The p.S923N variant (also known as c.2768G>A), located in coding exon 13 of the BLM gene, results from a G to A substitution at nucleotide position 2768. The serine at codon 923 is replaced by asparagine, an amino acid with highly similar properties. This amino acid position is conserved. In addition, this alteration is predicted to be tolerated by in silico analysis. Based on the available evidence, the clinical significance of this alteration remains unclear.

Labcorp Genetics (formerly Invitae), Labcorp
Classification: Uncertain significance for Bloom syndrome. Last evaluated: 2023-09-14. Review status: criteria provided, single submitter. Criteria: Invitae Variant Classification Sherloc (09022015). Collection method: clinical testing. Allele origin: germline.
Comment: In summary, the available evidence is currently insufficient to determine the role of this variant in disease. Therefore, it has been classified as a Variant of Uncertain Significance. This sequence change replaces serine, which is neutral and polar, with asparagine, which is neutral and polar, at codon 923 of the BLM protein (p.Ser923Asn). This variant is present in population databases (no rsID available, gnomAD 0.0009%). This variant has not been reported in the literature in individuals affected with BLM-related conditions. ClinVar contains an entry for this variant (Variation ID: 1439259). Advanced modeling of protein sequence and biophysical properties (such as structural, functional, and spatial information, amino acid conservation, physicochemical variation, residue mobility, and thermodynamic stability) performed at Invitae indicates that this missense variant is not expected to disrupt BLM protein function.

NM_000057.4(BLM):c.2768G>A (p.Ser923Asn)

Gene: BLM (BLM RecQ like helicase; plus strand). Cytogenetic location: 15q26.1.
Variant type: single nucleotide variant.
Coding change: c.2768G>A on transcript NM_000057.4 (MANE Select); coding-DNA position 2768, G replaced by A.
Protein change: p.Ser923Asn; replaces serine 923 with asparagine.
Molecular consequence: missense variant.
Genome position (GRCh38, 1-based): chr15:90,785,026, G>A. VCF-style: chr15-90785026-G-A. GRCh37 (hg19) VCF-style: chr15-91328256-G-A.
Other names: c.2768G>A (NM_000057.2); c.2768G>A, p.Ser923Asn (NM_001287246.2, NM_001287247.2); c.1643G>A, p.Ser548Asn (NM_001287248.2); short protein forms S923N, S548N.
Identifiers: ClinVar variation 1439259 (VCV001439259.7), dbSNP rs1219485932, ClinGen allele CA393846066.